The following is an entry in ClinVar:

ClinVar aggregate classification (germline): Uncertain significance. Review status: criteria provided, multiple submitters, no conflicts (2 of 4 stars). 3 submissions from 3 submitters: Uncertain significance (3). Last evaluated 2026-09-10.

Conditions:
PLXNA2-related disorder. Also called: PLXNA2-related condition.

Allele frequency attached by ClinVar (database versions not stated): ExAC 0.00001; gnomAD exomes 0.00001; gnomAD 0.00005; TOPMed 0.00007.
gnomAD v4.1: 22 of 1,613,836 alleles (0.0014%); highest among the groups gnomAD compares: African/African-American, 0.02%; no homozygotes.

Submissions (3):

PreventionGenetics, part of Exact Sciences
Classification: Uncertain significance for PLXNA2-related condition. Last evaluated: 2026-09-10. Review status: criteria provided, single submitter. Criteria: ACMG Guidelines, 2015. Collection method: clinical testing. Allele origin: germline.
Comment: The PLXNA2 c.1450C>T variant is predicted to result in the amino acid substitution p.Arg484Trp. To our knowledge, this variant has not been reported in the literature. This variant is reported in 0.0080% of alleles in individuals of African descent in gnomAD. At this time, the clinical significance of this variant is uncertain due to the absence of conclusive functional and genetic evidence.

Ambry Genetics
Classification: Uncertain significance. Last evaluated: 2025-04-20. Review status: criteria provided, single submitter. Criteria: Ambry Variant Classification Scheme 2023. Collection method: clinical testing. Allele origin: germline.

Labcorp Genetics (formerly Invitae), Labcorp
Classification: Uncertain significance. Last evaluated: 2024-02-23. Review status: criteria provided, single submitter. Criteria: Invitae Variant Classification Sherloc (09022015). Collection method: clinical testing. Allele origin: germline.
Comment: This sequence change replaces arginine, which is basic and polar, with tryptophan, which is neutral and slightly polar, at codon 484 of the PLXNA2 protein (p.Arg484Trp). This variant is present in population databases (rs773351580, gnomAD 0.008%). This variant has not been reported in the literature in individuals affected with PLXNA2-related conditions. Advanced modeling of protein sequence and biophysical properties (such as structural, functional, and spatial information, amino acid conservation, physicochemical variation, residue mobility, and thermodynamic stability) performed at Invitae indicates that this missense variant is expected to disrupt PLXNA2 protein function with a positive predictive value of 80%. In summary, the available evidence is currently insufficient to determine the role of this variant in disease. Therefore, it has been classified as a Variant of Uncertain Significance.

NM_025179.4(PLXNA2):c.1450C>T (p.Arg484Trp)

Gene: PLXNA2 (plexin A2; minus strand). Cytogenetic location: 1q32.2.
Variant type: single nucleotide variant.
Coding change: c.1450C>T on transcript NM_025179.4 (MANE Select); coding-DNA position 1450, C replaced by T.
Protein change: p.Arg484Trp; replaces arginine 484 with tryptophan.
Molecular consequence: missense variant.
Genome position (GRCh38, 1-based): chr1:208,142,385, G>A on the plus strand (C>T on the coding strand, the complement: PLXNA2 is on the minus strand). VCF-style: chr1-208142385-G-A. GRCh37 (hg19) VCF-style: chr1-208315730-G-A.
Other names: c.1450C>T (NM_025179.3); short protein forms R484W.
Identifiers: ClinVar variation 2891925 (VCV002891925.5), dbSNP rs773351580, ClinGen allele CA1373845.